The following is an entry in ClinVar:

NM_025150.5(TARS2):c.1838C>T (p.Pro613Leu)

Gene: TARS2 (threonyl-tRNA synthetase 2, mitochondrial; plus strand). Cytogenetic location: 1q21.2.
Variant type: single nucleotide variant.
Coding change: c.1838C>T on transcript NM_025150.5 (MANE Select); coding-DNA position 1838, C replaced by T.
Protein change: p.Pro613Leu; replaces proline 613 with leucine.
Molecular consequence: missense variant. On other transcripts: non-coding transcript variant (2).
Genome position (GRCh38, 1-based): chr1:150,504,923, C>T. VCF-style: chr1-150504923-C-T. GRCh37 (hg19) VCF-style: chr1-150477399-C-T.
Other names: c.1592C>T, p.Pro531Leu (NM_001271895.2); c.1448C>T, p.Pro483Leu (NM_001271896.2); short protein forms P483L, P531L, P613L.
Identifiers: ClinVar variation 1174010 (VCV001174010.6), dbSNP rs767519084, ClinGen allele CA1077179.

ClinVar aggregate classification (germline): Uncertain significance. Review status: criteria provided, single submitter (1 of 4 stars). 3 submissions from 3 submitters: Uncertain significance (1). 2 of the submissions do not count toward it.

Conditions:
Combined oxidative phosphorylation defect type 21. Also called: Combined oxidative phosphorylation deficiency 21. Identifiers: Orphanet 420733, MedGen C4706316, MONDO:0014398, OMIM 615918.

Allele frequency attached by ClinVar (database versions not stated): ExAC 0.00001; gnomAD 0.00001; gnomAD exomes 0.00001; TOPMed 0.00002.
gnomAD v4.1: 15 of 1,614,088 alleles (0.00093%); highest among the groups gnomAD compares: South Asian, 0.0033%; no homozygotes.

Submissions (3):

Neuberg Centre For Genomic Medicine, NCGM
Classification: Uncertain significance for Combined oxidative phosphorylation defect type 21. Review status: criteria provided, single submitter. Criteria: ACMG Guidelines, 2015. Collection method: clinical testing. Allele origin: germline. Inheritance: Autosomal recessive inheritance. Affected: yes.
Comment: The missense variant c.1838C>T(p.Pro613Leu) in TARS2 gene has been submitted to the ClinVar database as Pathogenic / Likely pathogenic but no details available for independent assessment. The observed variant has allele frequency of 0.001% in gnomAD exomes database. The amino acid change p.Pro613Leu in TARS2 is predicted as conserved by GERP++ and PhyloP across 100 vertebrates. Multiple lines of computational evidence (Polyphen, SIFT and MutationTaster) predict a damaging effect on protein structure and function for this variant. The amino acid Pro at position 613 is changed to a Leu changing protein sequence and it might alter its composition and physico-chemical properties. However, functional studies will be required to confirm the pathogenicity of the variant. For these reasons, this variant has been classified as Uncertain Significanc (VUS).

OMIM
Classification: Pathogenic for COMBINED OXIDATIVE PHOSPHORYLATION DEFICIENCY 21. Last evaluated: 2024-04-01. Review status: no assertion criteria provided. Collection method: literature only. Allele origin: germline. Not counted in ClinVar's aggregate classification.

Department of Clinical Genetics, Copenhagen University Hospital, Rigshospitalet
Classification: Likely pathogenic for Combined oxidative phosphorylation defect type 21. Review status: no assertion criteria provided. Collection method: clinical testing. Allele origin: inherited. Affected: yes. Not counted in ClinVar's aggregate classification.

Literature cited by the submitters: PubMed 34508595 (cited by OMIM).